The following is an entry in ClinVar:

NM_033310.3(KCNK4):c.149A>G (p.His50Arg)

Genes: KCNK4 (potassium two pore domain channel subfamily K member 4; plus strand), KCNK4-CATSPERZ (KCNK4-CATSPERZ readthrough (NMD candidate); plus strand). Cytogenetic location: 11q13.1.
Variant type: single nucleotide variant.
Coding change: c.149A>G on transcript NM_033310.3 (MANE Select); coding-DNA position 149, A replaced by G.
Protein change: p.His50Arg; replaces histidine 50 with arginine.
Molecular consequence: missense variant. On other transcripts: non-coding transcript variant (2).
Genome position (GRCh38, 1-based): chr11:64,293,167, A>G. VCF-style: chr11-64293167-A-G. GRCh37 (hg19) VCF-style: chr11-64060639-A-G.
Other names: c.149A>G, p.His50Arg (NM_001317090.2); c.149A>G (NM_033310.2); short protein forms H50R.
Identifiers: ClinVar variation 1433071 (VCV001433071.7), dbSNP rs986784603, ClinGen allele CA223876424.

ClinVar aggregate classification (germline): Uncertain significance. Review status: criteria provided, multiple submitters, no conflicts (2 of 4 stars). 2 submissions from 2 submitters: Uncertain significance (2). Last evaluated 2025-05-28.

Allele frequency attached by ClinVar (database versions not stated): TOPMed 0.00001; gnomAD 0.00001.

Submissions (2):

Ambry Genetics
Classification: Uncertain significance. Last evaluated: 2025-05-28. Review status: criteria provided, single submitter. Criteria: Ambry Variant Classification Scheme 2023. Collection method: clinical testing. Allele origin: germline.

Labcorp Genetics (formerly Invitae), Labcorp
Classification: Uncertain significance. Last evaluated: 2023-12-21. Review status: criteria provided, single submitter. Criteria: Invitae Variant Classification Sherloc (09022015). Collection method: clinical testing. Allele origin: germline.
Comment: This sequence change replaces histidine, which is basic and polar, with arginine, which is basic and polar, at codon 50 of the KCNK4 protein (p.His50Arg). This variant is present in population databases (no rsID available, gnomAD 0.01%). This variant has not been reported in the literature in individuals affected with KCNK4-related conditions. ClinVar contains an entry for this variant (Variation ID: 1433071). An algorithm developed to predict the effect of missense changes on protein structure and function (PolyPhen-2) suggests that this variant is likely to be disruptive. In summary, the available evidence is currently insufficient to determine the role of this variant in disease. Therefore, it has been classified as a Variant of Uncertain Significance.